The following is an entry in ClinVar:

NM_153026.3(PRICKLE1):c.1788G>T (p.Lys596Asn)

Gene: PRICKLE1 (prickle planar cell polarity protein 1; minus strand). Cytogenetic location: 12q12.
Variant type: single nucleotide variant.
Coding change: c.1788G>T on transcript NM_153026.3 (MANE Select); coding-DNA position 1788, G replaced by T.
Protein change: p.Lys596Asn; replaces lysine 596 with asparagine.
Molecular consequence: missense variant.
Genome position (GRCh38, 1-based): chr12:42,460,517, C>A on the plus strand (G>T on the coding strand, the complement: PRICKLE1 is on the minus strand). VCF-style: chr12-42460517-C-A. GRCh37 (hg19) VCF-style: chr12-42854319-C-A.
Other names: c.1788G>T, p.Lys596Asn (NM_001144881.2, NM_001144882.2, NM_001144883.2); short protein forms K596N.
Identifiers: ClinVar variation 999665 (VCV000999665.6), dbSNP rs1937785933, ClinGen allele CA384440886.

ClinVar aggregate classification (germline): Uncertain significance (1 of 4 stars; one submission).

Conditions:
Epilepsy, progressive myoclonic, 1B. Also called: PME. Identifiers: Orphanet 308, MedGen C2676254, MONDO:0012904, OMIM 612437.

Submission:

Labcorp Genetics (formerly Invitae), Labcorp
Classification: Uncertain significance for Epilepsy, progressive myoclonic, 1B. Last evaluated: 2021-08-31. Review status: criteria provided, single submitter. Criteria: Invitae Variant Classification Sherloc (09022015). Collection method: clinical testing. Allele origin: germline.
Comment: This sequence change replaces lysine with asparagine at codon 596 of the PRICKLE1 protein (p.Lys596Asn). The lysine residue is highly conserved and there is a moderate physicochemical difference between lysine and asparagine. This variant is not present in population databases (ExAC no frequency). This variant has not been reported in the literature in individuals affected with PRICKLE1-related conditions. Algorithms developed to predict the effect of missense changes on protein structure and function are either unavailable or do not agree on the potential impact of this missense change (SIFT: "Deleterious"; PolyPhen-2: "Benign"; Align-GVGD: "Class C0"). In summary, the available evidence is currently insufficient to determine the role of this variant in disease. Therefore, it has been classified as a Variant of Uncertain Significance.